The following is an entry in ClinVar:

NM_006767.4(LZTR1):c.453C>T (p.Asp151=)

Gene: LZTR1 (leucine zipper like post translational regulator 1; plus strand). Cytogenetic location: 22q11.21.
Variant type: single nucleotide variant.
Coding change: c.453C>T on transcript NM_006767.4 (MANE Select); coding-DNA position 453, C replaced by T.
Protein change: p.Asp151=; no amino-acid change (aspartic acid 151 retained).
Molecular consequence: synonymous variant.
Genome position (GRCh38, 1-based): chr22:20,988,062, C>T. VCF-style: chr22-20988062-C-T. GRCh37 (hg19) VCF-style: chr22-21342351-C-T.
Identifiers: ClinVar variation 516328 (VCV000516328.48), dbSNP rs142421078, ClinGen allele CA10118441.
Genomic context (GRCh38, chr22:20,988,062, plus strand): 5'-TTACTCAGGGGGTTACACTGGGGACATTTATTCCAATTCTAACTTGAAGAATAAAAACGA[C>T]CTCTTTGAATACAAGTTTGCAACTGGCCAGTGGACGGAGTGGAAAATTGAAGGACGGTGA-3'
Protein context (NP_006758.2, residues 141-161): YSNSNLKNKN[Asp151=]LFEYKFATGQ

ClinVar aggregate classification (germline): Benign/Likely benign. Review status: criteria provided, multiple submitters, no conflicts (2 of 4 stars). 11 submissions from 11 submitters: Benign (4); Likely benign (6). 1 of the submissions does not count toward it. Last evaluated 2026-05-01.

Conditions:
Hereditary cancer-predisposing syndrome. Also called: Neoplastic Syndromes, Hereditary; Hereditary Cancer Syndrome; Tumor predisposition; Hereditary neoplastic syndrome. Identifiers: Orphanet 140162, MedGen C0027672, MeSH D009386, MONDO:0015356.
Cardiovascular phenotype. Identifiers: MedGen CN230736.
Noonan syndrome 10 (NS10). Identifiers: Orphanet 648, MedGen C4225280, MONDO:0014693, OMIM 616564.
Noonan syndrome 2 (NS2). Identifiers: Orphanet 648, MedGen C1854469, MONDO:0011531, OMIM 605275.
LZTR1-related schwannomatosis. Also called: Schwannomatosis 2; Schwannomatosis-2, susceptibility to. Identifiers: Orphanet 93921, MedGen C3810283, MONDO:0014299, OMIM 615670.
Noonan syndrome and Noonan-related syndrome. Identifiers: Orphanet 98733, MedGen C5681679, MONDO:0020297.
LZTR1-related disorder. Also called: LZTR1-related disorders; LZTR1-related condition.

Allele frequency attached by ClinVar (database versions not stated): ESP Exome Variant Server 0.00015; 1000 Genomes Project 30x 0.00016; 1000 Genomes Project 0.00020; ExAC 0.00049; TOPMed 0.00055; gnomAD exomes 0.00063 and 0.00078; gnomAD 0.00068 and 0.00069.
gnomAD v4.1: 1,238 of 1,613,482 alleles (0.077%); highest among the groups gnomAD compares: Admixed American, 0.083%; 3 homozygotes.

Submissions (11):

CeGaT Center for Human Genetics Tuebingen
Classification: Likely benign. Last evaluated: 2026-05-01. Review status: criteria provided, single submitter. Criteria: CeGaT Center For Human Genetics Tuebingen Variant Classification Criteria Version 2. Collection method: clinical testing. Allele origin: germline. Affected: yes. Observed: 19 variant alleles.
Comment: LZTR1: BP4, BP7

Labcorp Genetics (formerly Invitae), Labcorp
Classification: Likely benign. Last evaluated: 2026-02-03. Review status: criteria provided, single submitter. Criteria: Invitae Variant Classification Sherloc (09022015). Collection method: clinical testing. Allele origin: germline.

ARUP Laboratories, Molecular Genetics and Genomics, ARUP Laboratories
Classification: Benign. Last evaluated: 2025-06-30. Review status: criteria provided, single submitter. Criteria: ARUP Molecular Germline Variant Investigation Process 2024. Collection method: clinical testing. Allele origin: germline.

Department of Pathology and Laboratory Medicine, Sinai Health System
Classification: Benign for Noonan syndrome 2; LZTR1-related schwannomatosis; Noonan syndrome 10. Last evaluated: 2024-12-03. Review status: criteria provided, single submitter. Criteria: ACMG Guidelines, 2015. Collection method: clinical testing. Allele origin: germline.

Blueprint Genetics
Classification: Likely benign. Last evaluated: 2024-11-23. Review status: criteria provided, single submitter. Criteria: ACMG Guidelines, 2015. Collection method: clinical testing. Allele origin: germline.

Genome Diagnostics Laboratory, The Hospital for Sick Children
Classification: Benign for Noonan syndrome and Noonan-related syndrome. Last evaluated: 2021-06-07. Review status: criteria provided, single submitter. Criteria: ACMG Guidelines, 2015. Collection method: clinical testing. Allele origin: germline.

GeneDx
Classification: Likely benign. Last evaluated: 2020-10-11. Review status: criteria provided, single submitter. Criteria: GeneDx Variant Classification Process June 2021. Collection method: clinical testing. Allele origin: germline. Affected: yes.

Ambry Genetics
Classification: Likely benign for Cardiovascular phenotype; Hereditary cancer-predisposing syndrome. Last evaluated: 2020-08-26. Review status: criteria provided, single submitter. Criteria: Ambry Variant Classification Scheme 2023. Collection method: clinical testing. Allele origin: germline.

Women's Health and Genetics/Laboratory Corporation of America, LabCorp
Classification: Benign. Last evaluated: 2019-08-16. Review status: criteria provided, single submitter. Criteria: LabCorp Variant Classification Summary - May 2015. Collection method: clinical testing. Allele origin: germline.

Breakthrough Genomics
Classification: Likely benign. Review status: criteria provided, single submitter. Criteria: ACMG Guidelines, 2015. Collection method: not provided. Allele origin: germline. Inheritance: Autosomal recessive inheritance. Affected: yes.

PreventionGenetics, part of Exact Sciences
Classification: Likely benign for LZTR1-related condition. Last evaluated: 2020-02-17. Review status: no assertion criteria provided. Collection method: clinical testing. Allele origin: germline. Not counted in ClinVar's aggregate classification.
Comment: This variant is classified as likely benign based on ACMG/AMP sequence variant interpretation guidelines (Richards et al. 2015 PMID: 25741868, with internal and published modifications).